The following is an entry in ClinVar:

NM_000384.3(APOB):c.2435T>C (p.Met812Thr)

Gene: APOB (apolipoprotein B; minus strand). Cytogenetic location: 2p24.1.
Variant type: single nucleotide variant.
Coding change: c.2435T>C on transcript NM_000384.3 (MANE Select); coding-DNA position 2435, T replaced by C.
Protein change: p.Met812Thr; replaces methionine 812 with threonine.
Molecular consequence: missense variant.
Genome position (GRCh38, 1-based): chr2:21,024,934, A>G on the plus strand (T>C on the coding strand, the complement: APOB is on the minus strand). VCF-style: chr2-21024934-A-G. GRCh37 (hg19) VCF-style: chr2-21247806-A-G.
Other names: short protein forms M812T.
Identifiers: ClinVar variation 1791217 (VCV001791217.4), dbSNP rs943834069, ClinGen allele CA43521367.
Genomic context (GRCh38, chr2:21,024,934, plus strand): 5'-GATCTAAAAAAAAACCAACGTCTGGTCTCATGGGCCCCCAGTGGGGCCTGCTGACTTACC[A>G]TCTGGGGGATCCCCTGCAGAGTGCGGGCACCCATCAGAAGCAGCTTTCCCAGGAGCTGGA-3'
Protein context (NP_000375.3, residues 802-822): GARTLQGIPQ[Met812Thr]IGEVIRKGSK

ClinVar aggregate classification (germline): Uncertain significance. Review status: criteria provided, multiple submitters, no conflicts (2 of 4 stars). 2 submissions from 2 submitters: Uncertain significance (2). Last evaluated 2026-01-17.

Conditions:
Cardiovascular phenotype. Identifiers: MedGen CN230736.
Familial hypobetalipoproteinemia 1. Also called: Hypobetalipoproteinemia, normotriglyceridemic; Acanthocytosis with hypobetalipoproteinemia; APOB-Related Familial Hypobetalipoproteinemia. Identifiers: MedGen C4551990, MONDO:0014252, OMIM 615558.
Hypercholesterolemia, autosomal dominant, type B (FHCL2). Also called: Familial Hypercholesterolemia Type B; APOLIPOPROTEIN B-100, FAMILIAL DEFECTIVE; APOLIPOPROTEIN B-100, FAMILIAL LIGAND-DEFECTIVE; HYPERCHOLESTEROLEMIA, FAMILIAL, DUE TO LIGAND-DEFECTIVE APOLIPOPROTEIN B; Familial hypercholesterolemia 2; APOB-Related Familial Hypercholesterolemia, Autosomal Dominant. Identifiers: MedGen C1704417, MONDO:0007751, OMIM 144010.

Allele frequency attached by ClinVar (database versions not stated): gnomAD exomes below 0.00001; TOPMed below 0.00001; gnomAD 0.00001.

Submissions (2):

Labcorp Genetics (formerly Invitae), Labcorp
Classification: Uncertain significance for Familial hypobetalipoproteinemia 1; Hypercholesterolemia, autosomal dominant, type B. Last evaluated: 2026-01-17. Review status: criteria provided, single submitter. Criteria: Invitae Variant Classification Sherloc (09022015). Collection method: clinical testing. Allele origin: germline.
Comment: This sequence change replaces methionine, which is neutral and non-polar, with threonine, which is neutral and polar, at codon 812 of the APOB protein (p.Met812Thr). This variant is not present in population databases (gnomAD no frequency). This variant has not been reported in the literature in individuals affected with APOB-related conditions. ClinVar contains an entry for this variant (Variation ID: 1791217). An algorithm developed to predict the effect of missense changes on protein structure and function (PolyPhen-2) suggests that this variant is likely to be tolerated. In summary, the available evidence is currently insufficient to determine the role of this variant in disease. Therefore, it has been classified as a Variant of Uncertain Significance.

Ambry Genetics
Classification: Uncertain significance for Cardiovascular phenotype. Last evaluated: 2025-04-29. Review status: criteria provided, single submitter. Criteria: Ambry Variant Classification Scheme 2023. Collection method: clinical testing. Allele origin: germline.
Comment: The p.M812T variant (also known as c.2435T>C), located in coding exon 16 of the APOB gene, results from a T to C substitution at nucleotide position 2435. The methionine at codon 812 is replaced by threonine, an amino acid with similar properties. This amino acid position is conserved. In addition, this alteration is predicted to be tolerated by in silico analysis. Since supporting evidence is limited at this time, the clinical significance of this alteration remains unclear.